The following is an entry in ClinVar:

NM_001394062.1(MACF1):c.13688G>A (p.Arg4563Gln)

Gene: MACF1 (microtubule actin crosslinking factor 1; plus strand). Cytogenetic location: 1p34.3.
Variant type: single nucleotide variant.
Coding change: c.13688G>A on transcript NM_001394062.1 (MANE Select); coding-DNA position 13688, G replaced by A.
Protein change: p.Arg4563Gln; replaces arginine 4563 with glutamine.
Molecular consequence: missense variant.
Genome position (GRCh38, 1-based): chr1:39,381,992, G>A. VCF-style: chr1-39381992-G-A. GRCh37 (hg19) VCF-style: chr1-39847664-G-A.
Other names: c.7502G>A, p.Arg2501Gln (NM_012090.5); short protein forms R4563Q, R2501Q.
Identifiers: ClinVar variation 4102049 (VCV004102049.3).

ClinVar aggregate classification (germline): Likely benign. Review status: criteria provided, multiple submitters, no conflicts (2 of 4 stars). 3 submissions from 3 submitters: Likely benign (3). Last evaluated 2026-09-01.

Conditions:
Inborn genetic diseases. Identifiers: MedGen C0950123, MeSH D030342.

gnomAD v4.1: 52 of 1,613,812 alleles (0.0032%); highest among the groups gnomAD compares: African/African-American, 0.004%; 1 homozygote.

Submissions (3):

CeGaT Center for Human Genetics Tuebingen
Classification: Likely benign. Last evaluated: 2026-09-01. Review status: criteria provided, single submitter. Criteria: CeGaT Center For Human Genetics Tuebingen Variant Classification Criteria Version 2. Collection method: clinical testing. Allele origin: germline. Affected: yes. Observed: 1 variant allele.
Comment: MACF1: BP4

Ambry Genetics
Classification: Likely benign for Inborn genetic diseases. Last evaluated: 2025-09-11. Review status: criteria provided, single submitter. Criteria: Ambry Variant Classification Scheme 2023. Collection method: clinical testing. Allele origin: germline.

Blueprint Genetics
Classification: Likely benign. Last evaluated: 2023-03-29. Review status: criteria provided, single submitter. Criteria: ACMG Guidelines, 2015. Collection method: clinical testing. Allele origin: germline.